The following is an entry in ClinVar:

ClinVar aggregate classification (germline): Conflicting classifications of pathogenicity. Review status: criteria provided, conflicting classifications (1 of 4 stars). 2 submissions from 2 submitters: Uncertain significance (1); Likely benign (1). Last evaluated 2024-11-08.

Conditions:
POLD1-related polyposis and colorectal cancer syndrome (CRCS10). Also called: Colorectal cancer 10; COLORECTAL CANCER, SUSCEPTIBILITY TO, ON CHROMOSOME 19q; Colorectal cancer, susceptibility to, 10. Identifiers: Orphanet 220460, MedGen C2675481, MONDO:0012953, OMIM 612591.
Hereditary cancer-predisposing syndrome. Also called: Tumor predisposition; Neoplastic Syndromes, Hereditary; Hereditary Cancer Syndrome; Hereditary neoplastic syndrome. Identifiers: Orphanet 140162, MedGen C0027672, MeSH D009386, MONDO:0015356.

gnomAD v4.1: 1 of 1,614,026 alleles (0.000062%); highest among the groups gnomAD compares: Non-Finnish European, 0.000085%; no homozygotes.

Submissions (2):

Ambry Genetics
Classification: Likely benign for Hereditary cancer-predisposing syndrome. Last evaluated: 2024-11-08. Review status: criteria provided, single submitter. Criteria: Ambry Variant Classification Scheme 2023. Collection method: clinical testing. Allele origin: germline.

Labcorp Genetics (formerly Invitae), Labcorp
Classification: Uncertain significance for POLD1-related polyposis and colorectal cancer syndrome. Last evaluated: 2024-07-24. Review status: criteria provided, single submitter. Criteria: Invitae Variant Classification Sherloc (09022015). Collection method: clinical testing. Allele origin: germline.
Comment: This sequence change replaces proline, which is neutral and non-polar, with serine, which is neutral and polar, at codon 153 of the POLD1 protein (p.Pro153Ser). This variant is not present in population databases (gnomAD no frequency). This variant has not been reported in the literature in individuals affected with POLD1-related conditions. ClinVar contains an entry for this variant (Variation ID: 537088). Advanced modeling of protein sequence and biophysical properties (such as structural, functional, and spatial information, amino acid conservation, physicochemical variation, residue mobility, and thermodynamic stability) performed at Invitae indicates that this missense variant is not expected to disrupt POLD1 protein function with a negative predictive value of 80%. In summary, the available evidence is currently insufficient to determine the role of this variant in disease. Therefore, it has been classified as a Variant of Uncertain Significance.

NM_002691.4(POLD1):c.457C>T (p.Pro153Ser)

Gene: POLD1 (DNA polymerase delta 1, catalytic subunit; plus strand). Cytogenetic location: 19q13.33.
Variant type: single nucleotide variant.
Coding change: c.457C>T on transcript NM_002691.4 (MANE Select); coding-DNA position 457, C replaced by T.
Protein change: p.Pro153Ser; replaces proline 153 with serine.
Molecular consequence: missense variant. On other transcripts: non-coding transcript variant (1).
Genome position (GRCh38, 1-based): chr19:50,401,918, C>T. VCF-style: chr19-50401918-C-T. GRCh37 (hg19) VCF-style: chr19-50905175-C-T.
Other names: c.457C>T, p.Pro153Ser (NM_001256849.1, NM_001308632.1); c.457C>T (NM_002691.2); short protein forms P153S.
Identifiers: ClinVar variation 537088 (VCV000537088.10), dbSNP rs1555789811, ClinGen allele CA406972779.
Genomic context (GRCh38, chr19:50,401,918, plus strand): 5'-GAGGGGTTCTCTGTCTGCTGCCACATCCACGGCTTCGCTCCCTACTTCTACACCCCAGCG[C>T]CCCCTGGTGAGTGGCCCCTACCCAGCCCCTCCCTGAGCCACTGGAGCCCCCTGCACCTCT-3'
Protein context (NP_002682.2, residues 143-163): GFAPYFYTPA[Pro153Ser]PGFGPEHMGD